The following is an entry in ClinVar:

ClinVar aggregate classification (germline): Pathogenic. Review status: criteria provided, multiple submitters, no conflicts (2 of 4 stars). 12 submissions from 12 submitters: Pathogenic (10). 2 of the submissions do not count toward it. Last evaluated 2026-07-09.

Conditions:
SPG11-related disorder. Also called: SPG11-related condition.
Charcot-Marie-Tooth disease axonal type 2X. Also called: CHARCOT-MARIE-TOOTH DISEASE, AXONAL, AUTOSOMAL RECESSIVE, TYPE 2X; CHARCOT-MARIE-TOOTH NEUROPATHY, TYPE 2X. Identifiers: Orphanet 466775, MedGen C5569024, MONDO:0014726, OMIM 616668.
Metabolic disease. Also called: Metabolic disorders, general; metabolic disorder. Identifiers: MedGen C0025517, MONDO:0005066.
Inborn genetic diseases. Identifiers: MedGen C0950123, MeSH D030342.
Hereditary spastic paraplegia. Also called: Familial spastic paraparesis. Identifiers: Orphanet 685, MedGen C0037773, MONDO:0019064. Disease mechanism: loss of function.
Hereditary spastic paraplegia 11. Also called: Nakamura Osame syndrome; Autosomal recessive hereditary spastic paraplegia, mental impairment, and thin corpus callosum; Spastic Paraplegia 11; Spastic paraplegia, mental retardation and thin corpus callosum; SPASTIC PARAPLEGIA, AUTOSOMAL RECESSIVE, COMPLICATED, WITH THIN CORPUS CALLOSUM; SPASTIC PARAPLEGIA, AUTOSOMAL RECESSIVE, WITH MENTAL IMPAIRMENT AND THIN CORPUS CALLOSUM. Identifiers: Orphanet 2822, MedGen C1858479, MONDO:0011445, OMIM 604360.

Allele frequency attached by ClinVar (database versions not stated): gnomAD 0.00001; gnomAD exomes 0.00001 and 0.00003; ExAC 0.00002; TOPMed 0.00002; 1000 Genomes Project 30x 0.00016; 1000 Genomes Project 0.00020.
gnomAD v4.1: 42 of 1,613,676 alleles (0.0026%); highest among the groups gnomAD compares: Non-Finnish European, 0.0035%; no homozygotes.

Submissions (12):

PreventionGenetics, part of Exact Sciences
Classification: Pathogenic for SPG11-related condition. Last evaluated: 2026-07-09. Review status: criteria provided, single submitter. Criteria: ACMG Guidelines, 2015. Collection method: clinical testing. Allele origin: germline.
Comment: The SPG11 c.6856C>T variant is predicted to result in premature protein termination (p.Arg2286*). This variant has been reported in the homozygous or heterozygous state with a second SPG11 variant in multiple individuals with hereditary spastic paraplegia (Denora et al. 2009. PubMed ID: 19105190; Lynch et al. 2015. PubMed ID: 26374131; Table S3, Chen et al. 2019. PubMed ID: 31227335). This variant has also been reported in the homozygous state in an individual with autosomal recessive axonal Charcot-Marie-Tooth and segregates with disease in the family (Montecchiani et al. 2015. PubMed ID: 26556829). This variant is reported in 0.0018% of alleles in individuals of European (Non-Finnish) descent in gnomAD. Nonsense variants in SPG11 are expected to be pathogenic. This variant is interpreted as pathogenic.

Labcorp Genetics (formerly Invitae), Labcorp
Classification: Pathogenic for Hereditary spastic paraplegia 11. Last evaluated: 2025-07-31. Review status: criteria provided, single submitter. Criteria: Invitae Variant Classification Sherloc (09022015). Collection method: clinical testing. Allele origin: germline.
Comment: This sequence change creates a premature translational stop signal (p.Arg2286*) in the SPG11 gene. It is expected to result in an absent or disrupted protein product. Loss-of-function variants in SPG11 are known to be pathogenic (PMID: 19105190, 20110243, 22154821, 26556829). This variant is present in population databases (rs312262785, gnomAD 0.003%). This premature translational stop signal has been observed in individual(s) with autosomal recessive hereditary spastic paraplegia (PMID: 19105190, 24090761, 27900367). It has also been observed to segregate with disease in related individuals. ClinVar contains an entry for this variant (Variation ID: 41353). For these reasons, this variant has been classified as Pathogenic.

Revvity Omics, Revvity
Classification: Pathogenic. Last evaluated: 2024-04-15. Review status: criteria provided, single submitter. Criteria: ACMG Guidelines, 2015. Collection method: clinical testing. Allele origin: germline.

Neuberg Centre For Genomic Medicine, NCGM
Classification: Pathogenic for Hereditary spastic paraplegia 11. Last evaluated: 2023-05-20. Review status: criteria provided, single submitter. Criteria: ACMG Guidelines, 2015. Collection method: clinical testing. Allele origin: germline. Inheritance: Autosomal recessive inheritance. Affected: yes.
Comment: The stop-gained variant c.6856C>T (p.Arg2286Ter) in the SPG11 gene has been reported in individuals in homozygous/heterozygous/compound heterozygous state affected with hereditary spastic paraplegia (Yu et al., 2016; Chen et al., 2020). The variant has 0.0007% allele frequency in gnomAD Exomes. This variant has been reported to the ClinVar database as Pathogenic (multiple submitters). This variant is predicted to cause loss of normal protein function through protein truncation. Loss of function variants have been previously reported to be disease causing. For these reasons, this variant has been classified as Pathogenic.

Clinical Genetics Laboratory, Skane University Hospital Lund
Classification: Pathogenic. Last evaluated: 2022-07-13. Review status: criteria provided, single submitter. Criteria: ACMG Guidelines, 2015. Collection method: clinical testing. Allele origin: germline. Affected: yes.

GeneDx
Classification: Pathogenic. Last evaluated: 2022-01-20. Review status: criteria provided, single submitter. Criteria: GeneDx Variant Classification Process June 2021. Collection method: clinical testing. Allele origin: germline. Affected: yes.
Comment: Nonsense variant predicted to result in protein truncation or nonsense mediated decay in a gene for which loss-of-function is a known mechanism of disease; Not observed at a significant frequency in large population cohorts (gnomAD); This variant is associated with the following publications: (PMID: 31227335, 31900114, 25525159, 26556829, 19105190, 23850684, 26374131, 20390432, 29980238, 27900367, 32501971, 24090761)

Cambridge Genomics Laboratory, East Genomic Laboratory Hub, NHS Genomic Medicine Service
Classification: Pathogenic for Metabolic disease. Last evaluated: 2020-03-12. Review status: criteria provided, single submitter. Criteria: ACGS Best Practice Guidelines for Variant Classification in Rare Disease 2020. Collection method: clinical testing. Allele origin: germline. Affected: yes. Observed: 1 variant allele.

Ambry Genetics
Classification: Pathogenic for Inborn genetic diseases. Last evaluated: 2019-11-21. Review status: criteria provided, single submitter. Criteria: Ambry Variant Classification Scheme 2023. Collection method: clinical testing. Allele origin: germline.
Comment: The p.R2286* pathogenic mutation (also known as c.6856C>T), located in coding exon 38 of the SPG11 gene, results from a C to T substitution at nucleotide position 6856. This changes the amino acid from an arginine to a stop codon within coding exon 38. This alteration has been detected with a second disease-causing allele in multiple individuals with symptoms of hereditary spastic paraplegia including cognitive impairment, gait disturbances, thinning of the corpus callosum, and periventricular white matter lesion; axonal neuropathy and hearing loss were also variably reported (Denora PS et al. Hum. Mutat., 2009 Mar;30:E500-19; Lynch DS et al. Eur. J. Hum. Genet., 2016 06;24:857-63). Three affected siblings were described with mental impairment and progressive cognitive decline as well as spastic paraplegia of the lower limbs, dysarthria, sphincter disturbance, and epilepsy; the p.R2286* variant was confirmed to be in trans with a frame-shift alteration (Zhao W et al. J. Neurol. Sci., 2013 Dec;335:112-7). In addition to the clinical data presented in the literature, this alteration is expected to result in loss of function by premature protein truncation or nonsense-mediated mRNA decay. As such, this alteration is interpreted as a disease-causing mutation.

Genome Diagnostics Laboratory, The Hospital for Sick Children
Classification: Pathogenic for Hereditary spastic paraplegia. Last evaluated: 2016-12-12. Review status: criteria provided, single submitter. Criteria: ACMG Guidelines, 2015. Collection method: clinical testing. Allele origin: germline. Affected: yes.

Genome-Nilou Lab
Classification: Pathogenic for Hereditary spastic paraplegia 11. Review status: criteria provided, single submitter. Criteria: ACMG Guidelines, 2015. Collection method: clinical testing. Allele origin: germline.

Solve-RD Consortium
Classification: Likely pathogenic for Charcot-Marie-Tooth disease axonal type 2X. Last evaluated: 2022-06-01. Review status: no assertion criteria provided. Collection method: provider interpretation. Allele origin: inherited. Affected: yes. Not counted in ClinVar's aggregate classification.
Comment: Variant confirmed as disease-causing by referring clinical team

Variant identified during reanalysis of unsolved cases by the Solve-RD project. The Solve-RD project has received funding from the European Union’s Horizon 2020 research and innovation programme under grant agreement No 779257.

GeneReviews
No classification provided. Condition: Hereditary spastic paraplegia 11. Review status: no classification provided. Collection method: literature only. Allele origin: unknown. Not counted in ClinVar's aggregate classification.

Literature cited by the submitters: PubMed 19105190 (cited by 3 submitters); PubMed 20110243 (cited by Labcorp Genetics (formerly Invitae), Labcorp); PubMed 22154821 (cited by Labcorp Genetics (formerly Invitae), Labcorp); PubMed 26556829 (cited by Labcorp Genetics (formerly Invitae), Labcorp); PubMed 24090761 (cited by Labcorp Genetics (formerly Invitae), Labcorp and Ambry Genetics); PubMed 27900367 (cited by Labcorp Genetics (formerly Invitae), Labcorp); PubMed 26374131 (cited by Ambry Genetics); PubMed 39825153 (cited by Solve-RD Consortium); PubMed 20301389 (cited by GeneReviews); NCBI Bookshelf NBK1210 (cited by GeneReviews).

NM_025137.4(SPG11):c.6856C>T (p.Arg2286Ter)

Gene: SPG11 (SPG11 vesicle trafficking associated, spatacsin; minus strand). Cytogenetic location: 15q21.1.
Variant type: single nucleotide variant.
Coding change: c.6856C>T on transcript NM_025137.4 (MANE Select); coding-DNA position 6856, C replaced by T.
Protein change: p.Arg2286Ter; replaces arginine 2286 with a stop codon.
Molecular consequence: nonsense.
Genome position (GRCh38, 1-based): chr15:44,565,997, G>A on the plus strand (C>T on the coding strand, the complement: SPG11 is on the minus strand). VCF-style: chr15-44565997-G-A. GRCh37 (hg19) VCF-style: chr15-44858195-G-A.
Other names: c.6517C>T, p.Arg2173Ter (NM_001160227.2); short protein forms R2286*, R2173*.
Identifiers: ClinVar variation 41353 (VCV000041353.28), dbSNP rs312262785, ClinGen allele CA344384.